The following is an entry in ClinVar:

ClinVar aggregate classification (germline): Uncertain significance. Review status: criteria provided, multiple submitters, no conflicts (2 of 4 stars). 3 submissions from 3 submitters: Uncertain significance (3). Last evaluated 2025-12-09.

Conditions:
Retinitis pigmentosa 71 (RP71). Identifiers: Orphanet 791, MedGen C4225342, MONDO:0014618, OMIM 616394.
Short-rib thoracic dysplasia 10 with or without polydactyly (SRTD10). Identifiers: Orphanet 474, MedGen C3810175, MONDO:0014284, OMIM 615630.
IFT172-related disorder. Also called: IFT172-related condition; IFT172-related disorders.

Allele frequency attached by ClinVar (database versions not stated): ExAC 0.00002; TOPMed 0.00002; gnomAD 0.00001.
gnomAD v4.1: 32 of 1,612,480 alleles (0.002%); highest among the groups gnomAD compares: South Asian, 0.0044%; no homozygotes.

Submissions (3):

PreventionGenetics, part of Exact Sciences
Classification: Uncertain significance for IFT172-related condition. Last evaluated: 2025-12-09. Review status: criteria provided, single submitter. Criteria: ACMG Guidelines, 2015. Collection method: clinical testing. Allele origin: germline.
Comment: The IFT172 c.1352G>A variant is predicted to result in the amino acid substitution p.Arg451Gln. To our knowledge, this variant has not been reported in the literature. This variant is reported in 0.0065% of alleles in individuals of South Asian descent in gnomAD. At this time, the clinical significance of this variant is uncertain due to the absence of conclusive functional and genetic evidence.

GeneDx
Classification: Uncertain significance. Last evaluated: 2024-04-17. Review status: criteria provided, single submitter. Criteria: GeneDx Variant Classification Process June 2021. Collection method: clinical testing. Allele origin: germline. Affected: yes.
Comment: Not observed at significant frequency in large population cohorts (gnomAD); In silico analysis indicates that this missense variant does not alter protein structure/function; Has not been previously published as pathogenic or benign to our knowledge

Labcorp Genetics (formerly Invitae), Labcorp
Classification: Uncertain significance for Retinitis pigmentosa 71; Short-rib thoracic dysplasia 10 with or without polydactyly. Last evaluated: 2022-07-21. Review status: criteria provided, single submitter. Criteria: Invitae Variant Classification Sherloc (09022015). Collection method: clinical testing. Allele origin: germline.
Comment: This sequence change replaces arginine, which is basic and polar, with glutamine, which is neutral and polar, at codon 451 of the IFT172 protein (p.Arg451Gln). This variant is present in population databases (rs753504432, gnomAD 0.007%). This variant has not been reported in the literature in individuals affected with IFT172-related conditions. ClinVar contains an entry for this variant (Variation ID: 1017138). Algorithms developed to predict the effect of missense changes on protein structure and function output the following: SIFT: "Deleterious"; PolyPhen-2: "Benign"; Align-GVGD: "Class C0". The glutamine amino acid residue is found in multiple mammalian species, which suggests that this missense change does not adversely affect protein function. In summary, the available evidence is currently insufficient to determine the role of this variant in disease. Therefore, it has been classified as a Variant of Uncertain Significance.

NM_015662.3(IFT172):c.1352G>A (p.Arg451Gln)

Gene: IFT172 (intraflagellar transport 172; minus strand). Cytogenetic location: 2p23.3.
Variant type: single nucleotide variant.
Coding change: c.1352G>A on transcript NM_015662.3 (MANE Select); coding-DNA position 1352, G replaced by A.
Protein change: p.Arg451Gln; replaces arginine 451 with glutamine.
Molecular consequence: missense variant.
Genome position (GRCh38, 1-based): chr2:27,476,700, C>T on the plus strand (G>A on the coding strand, the complement: IFT172 is on the minus strand). VCF-style: chr2-27476700-C-T. GRCh37 (hg19) VCF-style: chr2-27699567-C-T.
Other names: c.1352G>A (NM_015662.2); short protein forms R451Q.
Identifiers: ClinVar variation 1017138 (VCV001017138.8), dbSNP rs753504432, ClinGen allele CA1580686.